The following is an entry in ClinVar:

ClinVar aggregate classification (germline): Uncertain significance (1 of 4 stars; one submission).

Conditions:
Muscular dystrophy-dystroglycanopathy (congenital with brain and eye anomalies), type a, 8 (MDDGA8). Also called: WALKER-WARBURG SYNDROME OR MUSCLE-EYE-BRAIN DISEASE, GTDC2-RELATED. Identifiers: Orphanet 899, MedGen C3553813, MONDO:0013904, OMIM 614830.

Allele frequency attached by ClinVar (database versions not stated): gnomAD 0.00002; TOPMed 0.00002.
gnomAD v4.1: 3 of 1,614,048 alleles (0.00019%); highest among the groups gnomAD compares: African/African-American, 0.004%; no homozygotes.

Submission:

Labcorp Genetics (formerly Invitae), Labcorp
Classification: Uncertain significance for Muscular dystrophy-dystroglycanopathy (congenital with brain and eye anomalies), type a, 8. Last evaluated: 2022-04-08. Review status: criteria provided, single submitter. Criteria: Invitae Variant Classification Sherloc (09022015). Collection method: clinical testing. Allele origin: germline.
Comment: In summary, the available evidence is currently insufficient to determine the role of this variant in disease. Therefore, it has been classified as a Variant of Uncertain Significance. Algorithms developed to predict the effect of missense changes on protein structure and function are either unavailable or do not agree on the potential impact of this missense change (SIFT: "Deleterious"; PolyPhen-2: "Probably Damaging"; Align-GVGD: "Class C0"). This variant has not been reported in the literature in individuals affected with POMGNT2-related conditions. This variant is present in population databases (no rsID available, gnomAD 0.01%). This sequence change replaces proline, which is neutral and non-polar, with arginine, which is basic and polar, at codon 405 of the POMGNT2 protein (p.Pro405Arg).

NM_032806.6(POMGNT2):c.1214C>G (p.Pro405Arg)

Gene: POMGNT2 (protein O-linked mannose N-acetylglucosaminyltransferase 2 (beta 1,4-); minus strand). Cytogenetic location: 3p22.1.
Variant type: single nucleotide variant.
Coding change: c.1214C>G on transcript NM_032806.6 (MANE Select); coding-DNA position 1214, C replaced by G.
Protein change: p.Pro405Arg; replaces proline 405 with arginine.
Molecular consequence: missense variant.
Genome position (GRCh38, 1-based): chr3:43,080,218, G>C on the plus strand (C>G on the coding strand, the complement: POMGNT2 is on the minus strand). VCF-style: chr3-43080218-G-C. GRCh37 (hg19) VCF-style: chr3-43121710-G-C.
Other names: short protein forms P405R.
Identifiers: ClinVar variation 2426879 (VCV002426879.6), dbSNP rs1010499349, ClinGen allele CA74242864.
Genomic context (GRCh38, chr3:43,080,218, plus strand): 5'-ATACGGGCTTGCTCAGCCCGGTCCAGATGGGTGATGCCCCCCTGATCCCAGGGCCGCTCA[G>C]GGTGTGTGACTGTGTTCTCTGGCATCATGTTCCGCCAGGCTACATACTGGAGGTCCATGC-3'
Protein context (NP_116195.2, residues 395-415): NMMPENTVTH[Pro405Arg]ERPWDQGGIT